The following is an entry in ClinVar:

ClinVar aggregate classification (germline): Uncertain significance (0 of 4 stars; one submission).

Conditions:
KBTBD13-related disorder. Also called: KBTBD13-related condition.

Submission:

PreventionGenetics, part of Exact Sciences
Classification: Uncertain significance for KBTBD13-related condition. Last evaluated: 2024-03-15. Review status: no assertion criteria provided. Collection method: clinical testing. Allele origin: germline.
Comment: The KBTBD13 c.803A>G variant is predicted to result in the amino acid substitution p.Gln268Arg. To our knowledge, this variant has not been reported in the literature or in a large population database, indicating this variant is rare. At this time, the clinical significance of this variant is uncertain due to the absence of conclusive functional and genetic evidence.

NM_001101362.3(KBTBD13):c.803A>G (p.Gln268Arg)

Gene: KBTBD13 (kelch repeat and BTB domain containing 13; plus strand). Cytogenetic location: 15q22.31.
Variant type: single nucleotide variant.
Coding change: c.803A>G on transcript NM_001101362.3 (MANE Select); coding-DNA position 803, A replaced by G.
Protein change: p.Gln268Arg; replaces glutamine 268 with arginine.
Molecular consequence: missense variant.
Genome position (GRCh38, 1-based): chr15:65,077,618, A>G. VCF-style: chr15-65077618-A-G. GRCh37 (hg19) VCF-style: chr15-65369956-A-G.
Other names: short protein forms Q268R.
Identifiers: ClinVar variation 3349217 (VCV003349217.1).
Genomic context (GRCh38, chr15:65,077,618, plus strand): 5'-GCTATGACACAGCGCTGGCCGGCTTCGACGGCCGCCTCTACGCCATCGGCGGCGAATTCC[A>G]GAGGACGCCCATCAGCTCCGTGGAGCGCTACGACCCAGCCGCGGGCTGCTGGAGTTTCGT-3'
Protein context (NP_001094832.1, residues 258-278): GRLYAIGGEF[Gln268Arg]RTPISSVERY